The following is an entry in ClinVar:

NM_001643.2(APOA2):c.301T>A (p.Ter101Arg)

Gene: APOA2 (apolipoprotein A2; minus strand). Cytogenetic location: 1q23.3.
Variant type: single nucleotide variant.
Coding change: c.301T>A on transcript NM_001643.2 (MANE Select); coding-DNA position 301, T replaced by A.
Protein change: p.Ter101Arg.
Molecular consequence: stop lost.
Genome position (GRCh38, 1-based): chr1:161,222,407, A>T on the plus strand (T>A on the coding strand, the complement: APOA2 is on the minus strand). VCF-style: chr1-161222407-A-T. GRCh37 (hg19) VCF-style: chr1-161192197-A-T.
Other names: p.*101Arge*t*21.
Identifiers: ClinVar variation 2690543 (VCV002690543.3), dbSNP rs2525759209, ClinGen allele CA343320316.

ClinVar aggregate classification (germline): Likely pathogenic. Review status: criteria provided, multiple submitters, no conflicts (2 of 4 stars). 2 submissions from 2 submitters: Likely pathogenic (2). Last evaluated 2024-01-29.

Submissions (2):

Mayo Clinic Laboratories, Mayo Clinic
Classification: Likely pathogenic. Last evaluated: 2024-01-29. Review status: criteria provided, single submitter. Criteria: ACMG Guidelines, 2015. Collection method: clinical testing. Allele origin: germline. Observed: 1 variant allele.
Comment: PP4, PM2_moderate, PM4, PM5

Revvity Omics, Revvity
Classification: Likely pathogenic. Last evaluated: 2020-11-13. Review status: criteria provided, single submitter. Criteria: ACMG Guidelines, 2015. Collection method: clinical testing. Allele origin: germline.

Literature cited by the submitters: PubMed 12787390 (cited by Mayo Clinic Laboratories, Mayo Clinic); PubMed 16504984 (cited by Mayo Clinic Laboratories, Mayo Clinic); PubMed 27540044 (cited by Mayo Clinic Laboratories, Mayo Clinic); PubMed 29270531 (cited by Mayo Clinic Laboratories, Mayo Clinic); PubMed 31668567 (cited by Mayo Clinic Laboratories, Mayo Clinic).